The following is an entry in ClinVar:

NM_020843.4(SCAPER):c.495-4G>T

Gene: SCAPER (S-phase cyclin A associated protein in the ER; minus strand). Cytogenetic location: 15q24.3.
Variant type: single nucleotide variant.
Coding change: c.495-4G>T on transcript NM_020843.4 (MANE Select); 4 bases into the intron before coding-DNA position 495, G replaced by T.
Molecular consequence: intron variant.
Genome position (GRCh38, 1-based): chr15:76,800,368, C>A on the plus strand (G>T on the coding strand, the complement: SCAPER is on the minus strand). VCF-style: chr15-76800368-C-A. GRCh37 (hg19) VCF-style: chr15-77092709-C-A.
Other names: c.93-4G>T (NM_001353011.2, NM_001353012.2, NM_001353010.2); c.495-4G>T (NM_001353009.2); c.-403-4G>T (NM_001145923.2).
Identifiers: ClinVar variation 3357473 (VCV003357473.1).

ClinVar aggregate classification (germline): Likely benign (0 of 4 stars; one submission).

Conditions:
SCAPER-related disorder. Also called: SCAPER-related condition.

gnomAD v4.1: 57 of 1,554,814 alleles (0.0037%); highest among the groups gnomAD compares: Non-Finnish European, 0.0045%; no homozygotes.

Submission:

PreventionGenetics, part of Exact Sciences
Classification: Likely benign for SCAPER-related condition. Last evaluated: 2024-09-16. Review status: no assertion criteria provided. Collection method: clinical testing. Allele origin: germline.
Comment: This variant is classified as likely benign based on ACMG/AMP sequence variant interpretation guidelines (Richards et al. 2015 PMID: 25741868, with internal and published modifications).